The following is an entry in ClinVar:

ClinVar aggregate classification (germline): Uncertain significance (1 of 4 stars; one submission).

Conditions:
Primary ciliary dyskinesia 27. Also called: CILIARY DYSKINESIA, PRIMARY, 27, WITHOUT SITUS INVERSUS. Identifiers: Orphanet 244, MedGen C3809701, MONDO:0014215, OMIM 615504.

Allele frequency attached by ClinVar (database versions not stated): gnomAD exomes below 0.00001.
gnomAD v4.1: 1 of 1,609,794 alleles (0.000062%); highest among the groups gnomAD compares: Non-Finnish European, 0.000085%; no homozygotes.

Submission:

Labcorp Genetics (formerly Invitae), Labcorp
Classification: Uncertain significance for Primary ciliary dyskinesia 27. Last evaluated: 2022-07-06. Review status: criteria provided, single submitter. Criteria: Invitae Variant Classification Sherloc (09022015). Collection method: clinical testing. Allele origin: germline.
Comment: Algorithms developed to predict the effect of missense changes on protein structure and function (SIFT, PolyPhen-2, Align-GVGD) all suggest that this variant is likely to be tolerated. In summary, the available evidence is currently insufficient to determine the role of this variant in disease. Therefore, it has been classified as a Variant of Uncertain Significance. Algorithms developed to predict the effect of sequence changes on RNA splicing suggest that this variant may disrupt the consensus splice site. This variant has not been reported in the literature in individuals affected with CCDC65-related conditions. This variant is not present in population databases (gnomAD no frequency). This sequence change replaces aspartic acid, which is acidic and polar, with glycine, which is neutral and non-polar, at codon 341 of the CCDC65 protein (p.Asp341Gly).

NM_033124.5(DRC2):c.1022A>G (p.Asp341Gly)

Gene: DRC2 (dynein regulatory complex subunit 2; plus strand). Cytogenetic location: 12q13.12.
Variant type: single nucleotide variant.
Coding change: c.1022A>G on transcript NM_033124.5 (MANE Select); coding-DNA position 1022, A replaced by G.
Protein change: p.Asp341Gly; replaces aspartic acid 341 with glycine.
Molecular consequence: missense variant.
Genome position (GRCh38, 1-based): chr12:48,918,899, A>G. VCF-style: chr12-48918899-A-G. GRCh37 (hg19) VCF-style: chr12-49312682-A-G.
Other names: c.593A>G, p.Asp198Gly (NM_001286957.2); short protein forms D198G, D341G.
Identifiers: ClinVar variation 2014322 (VCV002014322.4), dbSNP rs2498844854, ClinGen allele CA384633069.